The following is an entry in ClinVar:

NM_024675.4(PALB2):c.2619del (p.Ser873fs)

Gene: PALB2 (partner and localizer of BRCA2; minus strand). Cytogenetic location: 16p12.2.
Variant type: Deletion.
Coding change: c.2619del on transcript NM_024675.4 (MANE Select); coding-DNA position 2619, one base deleted (T; older notation c.2619delT).
Protein change: p.Ser873fs; shifts the reading frame from serine 873.
Molecular consequence: frameshift variant.
Genome position (GRCh38, 1-based): chr16:23,626,365, A deleted on the plus strand (T on the coding strand, the reverse complement: PALB2 is on the minus strand). VCF-style (leftmost placement, unchanged base first): chr16-23626364-CA-C. GRCh37 (hg19) VCF-style: chr16-23637685-CA-C.
Other names: c.2619delT (NM_024675.3); short protein forms S873fs.
Identifiers: ClinVar variation 545803 (VCV000545803.2), dbSNP rs1555460007, ClinGen allele CA658823893.
Genomic context (GRCh38, chr16:23,626,364, plus strand): 5'-CATCTTCGCAAGCAGTTATGATACATGGCTCTTTACAACCGGCTCTTTCCCAAAACATGG[CA>C]CTCACATCTACGGAACAGGAACCTGAAGGATTCTGACACAATGGCAACAGTTCTGTTAAA-3'

ClinVar aggregate classification (germline): Likely pathogenic (1 of 4 stars; one submission).

Submission:

GeneDx
Classification: Likely pathogenic. Last evaluated: 2017-07-07. Review status: criteria provided, single submitter. Criteria: GeneDx Variant Classification (06012015). Collection method: clinical testing. Allele origin: germline. Affected: yes.
Comment: This deletion of one nucleotide in PALB2 is denoted c.2619delT at the cDNA level and p.Ser873ArgfsX16 (S873RfsX16) at the protein level. The normal sequence, with the base that is deleted in brackets, is TGAG[delT]GCCA. The deletion causes a frameshift which changes a Serine to an Arginine at codon 873, and creates a premature stop codon at position 16 of the new reading frame. Although this variant has not, to our knowledge, been reported in the literature, it is predicted to cause loss of normal protein function through either protein truncation or nonsense-mediated mRNA decay. Based on the currently available information, we consider this deletion to be a likely pathogenic variant.